The following is an entry in ClinVar:

NM_001267550.2(TTN):c.43690T>A (p.Ser14564Thr)

Gene: TTN (titin; minus strand). Cytogenetic location: 2q31.2.
Variant type: single nucleotide variant.
Coding change: c.43690T>A on transcript NM_001267550.2 (MANE Select); coding-DNA position 43690, T replaced by A.
Protein change: p.Ser14564Thr; replaces serine 14564 with threonine.
Molecular consequence: missense variant.
Genome position (GRCh38, 1-based): chr2:178,632,204, A>T on the plus strand (T>A on the coding strand, the complement: TTN is on the minus strand). VCF-style: chr2-178632204-A-T. GRCh37 (hg19) VCF-style: chr2-179496931-A-T.
Other names: p.Ser12923Thr; c.35986T>A, p.Ser11996Thr (NM_133378.4); c.38767T>A, p.Ser12923Thr (NM_001256850.1); c.16495T>A, p.Ser5499Thr (NM_003319.4); c.16870T>A, p.Ser5624Thr (NM_133432.3); c.17071T>A, p.Ser5691Thr (NM_133437.4); c.43690T>A (NM_001267550.1); short protein forms S14564T, S11996T, S12923T, S5624T, S5691T, S5499T.
Identifiers: ClinVar variation 46972 (VCV000046972.48), dbSNP rs181189778, ClinGen allele CA139670.

ClinVar aggregate classification (germline): Conflicting classifications of pathogenicity. Review status: criteria provided, conflicting classifications (1 of 4 stars). 21 submissions from 17 submitters: Uncertain significance (7); Benign (2); Likely benign (12). Last evaluated 2026-03-01.

Conditions:
TTN-related disorder. Also called: TTN-related condition; TTN-related disease; TTN-related disorders.
Cardiovascular phenotype. Identifiers: MedGen CN230736.
Dilated cardiomyopathy 1G (CMD1G). Identifiers: Orphanet 154, MedGen C1858763, MONDO:0011400, OMIM 604145.
Autosomal recessive limb-girdle muscular dystrophy type 2J (LGMDR10). Also called: Limb-girdle muscular dystrophy, type 2J; MUSCULAR DYSTROPHY, LIMB-GIRDLE, AUTOSOMAL RECESSIVE 10. Identifiers: Orphanet 140922, MedGen C1837342, MONDO:0012127, OMIM 608807.
Arrhythmogenic right ventricular cardiomyopathy (ARVD). Also called: Arrhythmogenic right ventricular dysplasia; Cardiomyopathy, ARVC; Arrhythmogenic cardiomyopathy; Arrhythmogenic Right Ventricular Cardiomyopathy (ARVC). Identifiers: Orphanet 247, MedGen C0349788, MeSH D019571, MONDO:0016587. Disease mechanism: loss of function. Inheritance: Various modes of inheritance.
Cardiomyopathy (CMYO). Also called: Cardiomyopathies. Identifiers: Orphanet 167848, MedGen C0878544, MONDO:0004994, HP:0001638. Inheritance: Various modes of inheritance.
Early-onset myopathy with fatal cardiomyopathy (CMYO5). Also called: Salih Myopathy; CONGENITAL MYOPATHY 5 WITH CARDIOMYOPATHY. Identifiers: Orphanet 289377, MedGen C2673677, MONDO:0012714, OMIM 611705. Disease mechanism: loss of function.
Myopathy, myofibrillar, 9, with early respiratory failure (MFM9). Also called: Hereditary myopathy with early respiratory failure; Myopathy, distal, with early respiratory failure, autosomal dominant; EDSTROM MYOPATHY; MYOPATHY, PROXIMAL, WITH EARLY RESPIRATORY MUSCLE INVOLVEMENT. Identifiers: Orphanet 178464, Orphanet 34521, MedGen C1863599, MONDO:0011362, OMIM 603689.
Tibial muscular dystrophy (TMD). Also called: Udd Distal Myopathy – Tibial Muscular Dystrophy; Tibial muscular dystrophy, tardive; UDD MYOPATHY. Identifiers: Orphanet 609, MedGen C1838244, MONDO:0010870, OMIM 600334.

Allele frequency attached by ClinVar (database versions not stated): ESP Exome Variant Server 0.00008; 1000 Genomes Project 30x 0.00016; 1000 Genomes Project 0.00020; ExAC 0.00027; gnomAD 0.00030 and 0.00031; gnomAD exomes 0.00030 and 0.00036; TOPMed 0.00040.
gnomAD v4.1: 569 of 1,608,584 alleles (0.035%); highest among the groups gnomAD compares: Admixed American, 0.1%; no homozygotes.

Submissions 1 to 15 of 21:

CeGaT Center for Human Genetics Tuebingen
Classification: Likely benign. Last evaluated: 2026-03-01. Review status: criteria provided, single submitter. Criteria: CeGaT Center For Human Genetics Tuebingen Variant Classification Criteria Version 2. Collection method: clinical testing. Allele origin: germline. Affected: yes. Observed: 1 variant allele.
Comment: TTN: BP4

Women's Health and Genetics/Laboratory Corporation of America, LabCorp
Classification: Likely benign. Last evaluated: 2026-02-09. Review status: criteria provided, single submitter. Criteria: LabCorp Variant Classification Summary - May 2015. Collection method: clinical testing. Allele origin: germline.
Comment: Variant summary: TTN c.35986T>A (p.Ser11996Thr) results in a conservative amino acid change in the encoded protein sequence. Algorithms developed to predict the effect of missense changes on protein structure and function are either unavailable or do not agree on the potential impact of this missense change. The variant allele was found at a frequency of 0.00035 in 1608584 control chromosomes, predominantly at a frequency of 0.001 within the Latino subpopulation in the gnomAD database. The observed variant frequency within Latino control individuals in the gnomAD database exceeds the estimated maximal expected allele frequency for disease-causing variants in TTN. c.35986T>A has been reported in the literature in association with sudden infant death syndrome (SIDS) and sudden arrhythmic death syndrome (SADS) without strong evidence of causality (Campuzano_2014, Nunn_2016). In the one SIDS case the variant was also detected in unaffected family members with the authors concluding that it is not responsible for the death of the index case (Campuzano_2014). These report(s) do not provide unequivocal conclusions about association of the variant with Dilated Cardiomyopathy. To our knowledge, no experimental evidence demonstrating an impact on protein function has been reported. The following publications have been ascertained in the context of this evaluation (PMID: 25016126, 28857138, 26498160, 26516846, 38689299, 30021846, 30564623). ClinVar contains an entry for this variant (Variation ID: 46972). Based on the evidence outlined above, the variant was classified as likely benign.

PreventionGenetics, part of Exact Sciences
Classification: Likely benign for TTN-related condition. Last evaluated: 2025-07-31. Review status: criteria provided, single submitter. Criteria: ACMG Guidelines, 2015. Collection method: clinical testing. Allele origin: germline.
Comment: This variant is classified as likely benign based on ACMG/AMP sequence variant interpretation guidelines (Richards et al. 2015 PMID: 25741868, with internal and published modifications).

Molecular Diagnostic Laboratory for Inherited Cardiovascular Disease, Montreal Heart Institute
Classification: Likely benign. Last evaluated: 2025-04-09. Review status: criteria provided, single submitter. Criteria: ACMG Guidelines, 2015. Collection method: clinical testing. Allele origin: germline. Affected: no.

Revvity Omics, Revvity
Classification: Uncertain significance. Last evaluated: 2025-03-10. Review status: criteria provided, single submitter. Criteria: ACMG Guidelines, 2015. Collection method: clinical testing. Allele origin: germline.

Mayo Clinic Laboratories, Mayo Clinic
Classification: Likely benign. Last evaluated: 2025-01-07. Review status: criteria provided, single submitter. Criteria: ACMG Guidelines, 2015. Collection method: clinical testing. Allele origin: germline. Observed: 2 variant alleles.
Comment: BS1, BS4_supporting

Blueprint Genetics
Classification: Likely benign. Last evaluated: 2024-11-07. Review status: criteria provided, single submitter. Criteria: ACMG Guidelines, 2015. Collection method: clinical testing. Allele origin: germline.

Athena Diagnostics
Classification: Likely benign. Last evaluated: 2024-03-29. Review status: criteria provided, single submitter. Criteria: Athena Diagnostics Criteria. Collection method: clinical testing. Allele origin: unknown.

GeneDx
Classification: Likely benign. Last evaluated: 2020-07-30. Review status: criteria provided, single submitter. Criteria: GeneDx Variant Classification Process June 2021. Collection method: clinical testing. Allele origin: germline. Affected: yes.
Comment: This variant is associated with the following publications: (PMID: 28771489, 25016126)

CHEO Genetics Diagnostic Laboratory, Children's Hospital of Eastern Ontario
Classification: Likely benign for Cardiomyopathy. Last evaluated: 2020-07-08. Review status: criteria provided, single submitter. Criteria: ACMG Guidelines, 2015. Collection method: clinical testing. Allele origin: germline.

Ambry Genetics
Classification: Likely benign for Cardiovascular phenotype. Last evaluated: 2019-10-03. Review status: criteria provided, single submitter. Criteria: Ambry Variant Classification Scheme 2023. Collection method: clinical testing. Allele origin: germline.

Center for Advanced Laboratory Medicine, UC San Diego Health, University of California San Diego
Classification: Likely benign for Arrhythmogenic right ventricular cardiomyopathy. Last evaluated: 2019-02-26. Review status: criteria provided, single submitter. Criteria: ACMG Guidelines, 2015. Collection method: clinical testing. Allele origin: germline. Affected: yes. Observed: 2 variant alleles.

Laboratory for Molecular Medicine, Mass General Brigham Personalized Medicine
Classification: Likely benign. Last evaluated: 2018-10-10. Review status: criteria provided, single submitter. Criteria: LMM Criteria. Collection method: clinical testing. Allele origin: germline. Observed: 2 variant alleles.
Comment: The p.Ser11996Thr variant in TTN is classified as likely benign because it has b een identified in 0.07% (22/33594) of Latino chromosomes and 0.04% (50/121836) o f European chromosomes by gnomAD. ACMG/AMP Cr iteria applied: BS1.

ARUP Laboratories, Molecular Genetics and Genomics, ARUP Laboratories
Classification: Uncertain significance. Last evaluated: 2018-05-03. Review status: criteria provided, single submitter. Criteria: ARUP Molecular Germline Variant Investigation Process. Collection method: clinical testing. Allele origin: germline.
Comment: The TTN c.35986T>A; p.Ser11996Thr variant (rs181189778, ClinVar variant ID 46972) has been identified in a case of sudden infant death, together with one additional TTN variant, p.Thr21743Ala, and five other variants in VCL, KCNE3, PKP2, EN1 and AKAP9 genes (Campuzano 2014). An unaffected mother and sister also carried the p.Ser11996Thr variant, and the authors concluded that the reported variants in TTN gene were not responsible for the probandâ€™s death (Campuzano 2014). This variant is rare in the general population (<1% allele frequency in the Genome Aggregation Database). . The clinical relevance of rare missense variants in this gene, which are identified on average once per individual sequenced in affected populations (Herman 2012), is not well understood. While the clinical significance of such variants is considered uncertain, evidence suggests that the vast majority of missense variants do not contribute to the clinical outcome of DCM (Begay 2015). Given the available evidence, the clinical significance of the p.Ser11996Thr variant cannot be determined with certainty.

Labcorp Genetics (formerly Invitae), Labcorp
Classification: Uncertain significance for Dilated cardiomyopathy 1G; Autosomal recessive limb-girdle muscular dystrophy type 2J. Last evaluated: 2017-12-22. Review status: criteria provided, single submitter. Criteria: Invitae Variant Classification Sherloc (09022015). Collection method: clinical testing. Allele origin: germline.